The following is an entry in ClinVar:

ClinVar aggregate classification (germline): Uncertain significance. Review status: criteria provided, multiple submitters, no conflicts (2 of 4 stars). 5 submissions from 5 submitters: Uncertain significance (3). 2 of the submissions do not count toward it. Last evaluated 2026-10-23.

Conditions:
Alstrom syndrome (ALMS). Identifiers: Orphanet 64, MedGen C0268425, MONDO:0008763, OMIM 203800.
Cardiovascular phenotype. Identifiers: MedGen CN230736.

Allele frequency attached by ClinVar (database versions not stated): ExAC 0.00001; gnomAD exomes 0.00001 and below 0.00001; gnomAD 0.00004 and 0.00003; TOPMed 0.00004; ESP Exome Variant Server 0.00008.
gnomAD v4.1: 15 of 1,613,918 alleles (0.00093%); highest among the groups gnomAD compares: African/African-American, 0.016%; no homozygotes.

Submissions (5):

GeneDx
Classification: Uncertain significance. Last evaluated: 2026-10-23. Review status: criteria provided, single submitter. Criteria: GeneDx Variant Classification Process June 2021. Collection method: clinical testing. Allele origin: germline.
Comment: Not observed at significant frequency in large population cohorts (gnomAD); In silico analysis, which includes protein predictors and evolutionary conservation, supports a deleterious effect; Has not been previously published as pathogenic or benign to our knowledge

Ambry Genetics
Classification: Uncertain significance for Cardiovascular phenotype. Last evaluated: 2024-04-30. Review status: criteria provided, single submitter. Criteria: Ambry Variant Classification Scheme 2023. Collection method: clinical testing. Allele origin: germline.
Comment: The p.H2905P variant (also known as c.8714A>C), located in coding exon 10 of the ALMS1 gene, results from an A to C substitution at nucleotide position 8714. The histidine at codon 2905 is replaced by proline, an amino acid with similar properties. This amino acid position is not well conserved in available vertebrate species, and proline is the reference amino acid in other vertebrate species. In addition, this alteration is predicted to be tolerated by in silico analysis. Since supporting evidence is limited at this time, the clinical significance of this alteration remains unclear.

Labcorp Genetics (formerly Invitae), Labcorp
Classification: Uncertain significance for Alstrom syndrome. Last evaluated: 2022-09-01. Review status: criteria provided, single submitter. Criteria: Invitae Variant Classification Sherloc (09022015). Collection method: clinical testing. Allele origin: germline.
Comment: This sequence change replaces histidine, which is basic and polar, with proline, which is neutral and non-polar, at codon 2905 of the ALMS1 protein (p.His2905Pro). This variant is present in population databases (rs370508584, gnomAD 0.008%). This variant has not been reported in the literature in individuals affected with ALMS1-related conditions. ClinVar contains an entry for this variant (Variation ID: 551916). Experimental studies and prediction algorithms are not available or were not evaluated, and the functional significance of this variant is currently unknown. In summary, the available evidence is currently insufficient to determine the role of this variant in disease. Therefore, it has been classified as a Variant of Uncertain Significance.

Natera, Inc.
Classification: Uncertain significance for Alstrom syndrome. Last evaluated: 2020-12-21. Review status: no assertion criteria provided. Collection method: clinical testing. Allele origin: germline. Not counted in ClinVar's aggregate classification.

Counsyl
Classification: Uncertain significance for Alstrom syndrome. Last evaluated: 2017-10-09. Review status: no assertion criteria provided. Collection method: clinical testing. Allele origin: unknown. Not counted in ClinVar's aggregate classification.

NM_001378454.1(ALMS1):c.8711A>C (p.His2904Pro)

Gene: ALMS1 (ALMS1 centrosome and basal body associated protein; plus strand). Cytogenetic location: 2p13.1.
Variant type: single nucleotide variant.
Coding change: c.8711A>C on transcript NM_001378454.1 (MANE Select); coding-DNA position 8711, A replaced by C.
Protein change: p.His2904Pro; replaces histidine 2904 with proline.
Molecular consequence: missense variant.
Genome position (GRCh38, 1-based): chr2:73,490,670, A>C. VCF-style: chr2-73490670-A-C. GRCh37 (hg19) VCF-style: chr2-73717797-A-C.
Other names: c.8714A>C, p.His2905Pro (NM_015120.4); short protein forms H2905P, H2904P.
Identifiers: ClinVar variation 551916 (VCV000551916.15), dbSNP rs370508584, ClinGen allele CA1714524.